The following is an entry in ClinVar:

NM_032578.4(MYPN):c.3417C>T (p.Arg1139=)

Gene: MYPN (myopalladin; plus strand). Cytogenetic location: 10q21.3.
Variant type: single nucleotide variant.
Coding change: c.3417C>T on transcript NM_032578.4 (MANE Select); coding-DNA position 3417, C replaced by T.
Protein change: p.Arg1139=; no amino-acid change (arginine 1139 retained).
Molecular consequence: synonymous variant. On other transcripts: non-coding transcript variant (2).
Genome position (GRCh38, 1-based): chr10:68,199,499, C>T. VCF-style: chr10-68199499-C-T. GRCh37 (hg19) VCF-style: chr10-69959256-C-T.
Other names: c.3417C>T, p.Arg1139= (NM_001256267.2); c.2535C>T, p.Arg845= (NM_001256268.2).
Identifiers: ClinVar variation 194792 (VCV000194792.52), dbSNP rs144488384, ClinGen allele CA201356.

ClinVar aggregate classification (germline): Benign/Likely benign. Review status: criteria provided, multiple submitters, no conflicts (2 of 4 stars). 8 submissions from 8 submitters: Benign (1); Likely benign (6). 1 of the submissions does not count toward it. Last evaluated 2026-01-05.

Conditions:
MYPN-related disorder. Also called: MYPN-related condition.
Cardiovascular phenotype. Identifiers: MedGen CN230736.
Dilated cardiomyopathy 1KK (CMD1KK). Identifiers: Orphanet 154, Orphanet 75249, MedGen C3714995, MONDO:0014100, OMIM 615248.

Allele frequency attached by ClinVar (database versions not stated): gnomAD 0.00003; TOPMed 0.00003; ESP Exome Variant Server 0.00008; 1000 Genomes Project 30x 0.00016.
gnomAD v4.1: 413 of 1,614,112 alleles (0.026%); highest among the groups gnomAD compares: East Asian, 0.64%; 5 homozygotes.

Submissions (8):

Labcorp Genetics (formerly Invitae), Labcorp
Classification: Likely benign for Dilated cardiomyopathy 1KK. Last evaluated: 2026-01-05. Review status: criteria provided, single submitter. Criteria: Invitae Variant Classification Sherloc (09022015). Collection method: clinical testing. Allele origin: germline.

Blueprint Genetics
Classification: Likely benign. Last evaluated: 2024-06-06. Review status: criteria provided, single submitter. Criteria: ACMG Guidelines, 2015. Collection method: clinical testing. Allele origin: germline.

CeGaT Center for Human Genetics Tuebingen
Classification: Likely benign. Last evaluated: 2022-05-01. Review status: criteria provided, single submitter. Criteria: CeGaT Center For Human Genetics Tuebingen Variant Classification Criteria Version 2. Collection method: clinical testing. Allele origin: germline. Affected: yes. Observed: 1 variant allele.
Comment: MYPN: BP4, BP7

GeneDx
Classification: Likely benign. Last evaluated: 2021-03-05. Review status: criteria provided, single submitter. Criteria: GeneDx Variant Classification Process June 2021. Collection method: clinical testing. Allele origin: germline. Affected: yes.

Ambry Genetics
Classification: Likely benign for Cardiovascular phenotype. Last evaluated: 2020-06-26. Review status: criteria provided, single submitter. Criteria: Ambry Variant Classification Scheme 2023. Collection method: clinical testing. Allele origin: germline.

Laboratory for Molecular Medicine, Mass General Brigham Personalized Medicine
Classification: Likely benign. Last evaluated: 2015-06-26. Review status: criteria provided, single submitter. Criteria: LMM Criteria. Collection method: clinical testing. Allele origin: germline. Observed: 1 variant allele.
Comment: p.Arg1139Arg in exon 18 of MYPN: This variant is not expected to have clinical s ignificance because it does not alter an amino acid residue. It has been identif ied in 0.1% (10/8644) of East Asian chromosomes by the Exome Aggregation Consort ium (ExAC; dbSNP rs144488384).

Eurofins Ntd Llc (ga)
Classification: Benign. Last evaluated: 2015-02-13. Review status: criteria provided, single submitter. Criteria: EGL Classification Definitions 2015. Collection method: clinical testing. Allele origin: germline. Observed: 1 variant allele, 1 heterozygote.

PreventionGenetics, part of Exact Sciences
Classification: Likely benign for MYPN-related condition. Last evaluated: 2020-08-21. Review status: no assertion criteria provided. Collection method: clinical testing. Allele origin: germline. Not counted in ClinVar's aggregate classification.
Comment: This variant is classified as likely benign based on ACMG/AMP sequence variant interpretation guidelines (Richards et al. 2015 PMID: 25741868, with internal and published modifications).